The following is an entry in ClinVar:

NM_003823.4(TNFRSF6B):c.492C>G (p.Ser164Arg)

Genes: RTEL1-TNFRSF6B (RTEL1-TNFRSF6B readthrough (NMD candidate); plus strand), TNFRSF6B (TNF receptor superfamily member 6b; plus strand). Cytogenetic location: 20q13.33.
Variant type: single nucleotide variant.
Coding change: c.492C>G on transcript NM_003823.4 (MANE Select); coding-DNA position 492, C replaced by G.
Protein change: p.Ser164Arg; replaces serine 164 with arginine.
Molecular consequence: missense variant. On other transcripts: non-coding transcript variant (1).
Genome position (GRCh38, 1-based): chr20:63,697,395, C>G. VCF-style: chr20-63697395-C-G. GRCh37 (hg19) VCF-style: chr20-62328748-C-G.
Other names: short protein forms S164R.
Identifiers: ClinVar variation 3664737 (VCV003664737.2).

ClinVar aggregate classification (germline): Uncertain significance (1 of 4 stars; one submission).

Submission:

Labcorp Genetics (formerly Invitae), Labcorp
Classification: Uncertain significance. Last evaluated: 2024-02-14. Review status: criteria provided, single submitter. Criteria: Invitae Variant Classification Sherloc (09022015). Collection method: clinical testing. Allele origin: germline.
Comment: This sequence change replaces serine, which is neutral and polar, with arginine, which is basic and polar, at codon 164 of the TNFRSF6B protein (p.Ser164Arg). This variant is not present in population databases (gnomAD no frequency). This variant has not been reported in the literature in individuals affected with TNFRSF6B-related conditions. Algorithms developed to predict the effect of missense changes on protein structure and function output the following: SIFT: "Not Available"; PolyPhen-2: "Benign"; Align-GVGD: "Not Available". The arginine amino acid residue is found in multiple mammalian species, which suggests that this missense change does not adversely affect protein function. In summary, the available evidence is currently insufficient to determine the role of this variant in disease. Therefore, it has been classified as a Variant of Uncertain Significance.